The following is an entry in ClinVar:

ClinVar aggregate classification (germline): Uncertain significance (1 of 4 stars; one submission).

Submission:

Labcorp Genetics (formerly Invitae), Labcorp
Classification: Uncertain significance. Last evaluated: 2021-01-14. Review status: criteria provided, single submitter. Criteria: Invitae Variant Classification Sherloc (09022015). Collection method: clinical testing. Allele origin: germline.
Comment: In summary, the available evidence is currently insufficient to determine the role of this variant in disease. Therefore, it has been classified as a Variant of Uncertain Significance. Algorithms developed to predict the effect of missense changes on protein structure and function (SIFT, PolyPhen-2, Align-GVGD) all suggest that this variant is likely to be tolerated, but these predictions have not been confirmed by published functional studies and their clinical significance is uncertain. This variant has not been reported in the literature in individuals with IMPDH1-related conditions. The frequency data for this variant in the population databases is considered unreliable, as metrics indicate insufficient coverage at this position in the ExAC database. This sequence change replaces methionine with isoleucine at codon 86 of the IMPDH1 protein (p.Met86Ile). The methionine residue is moderately conserved and there is a small physicochemical difference between methionine and isoleucine.

NM_000883.4(IMPDH1):c.258G>A (p.Met86Ile)

Gene: IMPDH1 (inosine monophosphate dehydrogenase 1; minus strand). Cytogenetic location: 7q32.1.
Variant type: single nucleotide variant.
Coding change: c.258G>A on transcript NM_000883.4 (MANE Select); coding-DNA position 258, G replaced by A.
Protein change: p.Met86Ile; replaces methionine 86 with isoleucine.
Molecular consequence: missense variant. On other transcripts: initiator codon variant (3), intron variant (2).
Genome position (GRCh38, 1-based): chr7:128,405,862, C>T on the plus strand (G>A on the coding strand, the complement: IMPDH1 is on the minus strand). VCF-style: chr7-128405862-C-T. GRCh37 (hg19) VCF-style: chr7-128045916-C-T.
Other names: c.228G>A, p.Met76Ile (NM_001102605.2); c.3G>A, p.Met1Ile (NM_001142573.2, NM_001142574.2, NM_001142575.2); c.150G>A, p.Met50Ile (NM_183243.3); c.147-2108G>A (NM_001304521.2); c.255-2108G>A (NM_001142576.2); short protein forms M86I, M1I, M76I, M50I.
Identifiers: ClinVar variation 1403641 (VCV001403641.8), dbSNP rs1213210180, ClinGen allele CA369178719.